The following is an entry in ClinVar:

ClinVar aggregate classification (germline): Likely pathogenic. Review status: criteria provided, multiple submitters, no conflicts (2 of 4 stars). 3 submissions from 3 submitters: Likely pathogenic (3). Last evaluated 2024-12-19.

Conditions:
MYO7A-related disorder. Also called: MYO7A-related disorders.
Usher syndrome type 1B (USH1B). Also called: Usher syndrome type IB. Identifiers: MedGen C1848638, MONDO:0700087.

Submissions (3):

PreventionGenetics, part of Exact Sciences
Classification: Likely pathogenic for MYO7A-related condition. Last evaluated: 2024-12-19. Review status: criteria provided, single submitter. Criteria: ACMG Guidelines, 2015. Collection method: clinical testing. Allele origin: germline.
Comment: The MYO7A c.5043+1G>A variant is predicted to disrupt the GT donor site and interfere with normal splicing. To our knowledge, this variant has not been reported in the literature or in a large population database (gnomAD), indicating this variant is rare. Variants that disrupt the consensus splice donor site in MYO7A are expected to be pathogenic. This variant is interpreted as likely pathogenic.

Natera, Inc.
Classification: Likely pathogenic for Usher syndrome type 1B. Last evaluated: 2024-11-03. Review status: criteria provided, single submitter. Criteria: Natera Variant Classification Schema (03/2026). Collection method: clinical testing. Allele origin: germline.
Comment: The c.5043+1G>A variant in MYO7A is a canonical splice donor site variant predicted to affect pre-mRNA splicing, which may result in an abnormal transcript and altered protein product. This variant is expected to result in nonsense mediated decay, truncation, or a dysfunctional protein product. This variant is rare in the general population with a frequency below the threshold expected for the associated phenotype(s). Given the available evidence, this variant is classified as Likely Pathogenic.

Labcorp Genetics (formerly Invitae), Labcorp
Classification: Likely pathogenic. Last evaluated: 2023-05-21. Review status: criteria provided, single submitter. Criteria: Invitae Variant Classification Sherloc (09022015). Collection method: clinical testing. Allele origin: germline.
Comment: This variant is not present in population databases (gnomAD no frequency). In summary, the currently available evidence indicates that the variant is pathogenic, but additional data are needed to prove that conclusively. Therefore, this variant has been classified as Likely Pathogenic. Algorithms developed to predict the effect of sequence changes on RNA splicing suggest that this variant may disrupt the consensus splice site. This variant has not been reported in the literature in individuals affected with MYO7A-related conditions. This sequence change affects a donor splice site in intron 36 of the MYO7A gene. It is expected to disrupt RNA splicing. Variants that disrupt the donor or acceptor splice site typically lead to a loss of protein function (PMID: 16199547), and loss-of-function variants in MYO7A are known to be pathogenic (PMID: 8900236, 25404053).

Literature cited by the submitters: PubMed 16199547 (cited by Labcorp Genetics (formerly Invitae), Labcorp); PubMed 8900236 (cited by Labcorp Genetics (formerly Invitae), Labcorp); PubMed 25404053 (cited by Labcorp Genetics (formerly Invitae), Labcorp).

NM_000260.4(MYO7A):c.5043+1G>A

Gene: MYO7A (myosin VIIA; plus strand). Cytogenetic location: 11q13.5.
Variant type: single nucleotide variant.
Coding change: c.5043+1G>A on transcript NM_000260.4 (MANE Select); the canonical splice donor site of the intron after coding-DNA position 5043, G replaced by A.
Molecular consequence: splice donor variant.
Genome position (GRCh38, 1-based): chr11:77,201,639, G>A. VCF-style: chr11-77201639-G-A. GRCh37 (hg19) VCF-style: chr11-76912684-G-A.
Other names: c.4896+1G>A (NM_001369365.1); c.4929+1G>A (NM_001127180.2); c.5043+1G>A (NM_000260.3).
Identifiers: ClinVar variation 2866711 (VCV002866711.5), dbSNP rs1555102147, ClinGen allele CA381951493.